The following is an entry in ClinVar:

ClinVar aggregate classification (germline): Uncertain significance (1 of 4 stars; one submission).

Conditions:
Chromosome 15q11.2 deletion syndrome. Identifiers: Orphanet 261183, MedGen C3180937, MONDO:0014294, OMIM 615656.

Submission:

Daryl Scott Lab, Baylor College of Medicine
Classification: Uncertain significance for Chromosome 15q11.2 deletion syndrome. Last evaluated: 2023-08-14. Review status: criteria provided, single submitter. Criteria: ACMG/ClinGen CNV Guidelines, 2019. Collection method: curation. Allele origin: unknown. Affected: yes.
Comment: Susceptibility locus: 4M (0.45)

Literature cited by the submitters: PubMed 37673932.

GRCh38/hg38 15q11.2(chr15:22787668-23051531)

Genes: CYFIP1 (cytoplasmic FMR1 interacting protein 1; minus strand), NIPA1 (NIPA magnesium transporter 1; plus strand), NIPA2 (NIPA magnesium transporter 2; plus strand), TUBGCP5 (tubulin gamma complex component 5; minus strand), LOC112272575 (Sharpr-MPRA regulatory region 8478; plus strand) and 8 more. Cytogenetic location: 15q11.2.
Variant type: copy number loss.
Identifiers: ClinVar variation 2499631 (VCV002499631.3).